The following is an entry in ClinVar:

NM_001253697.2(ERBIN):c.3905C>T (p.Pro1302Leu)

Gene: ERBIN (erbb2 interacting protein; plus strand). Cytogenetic location: 5q12.3.
Variant type: single nucleotide variant.
Coding change: c.3905C>T on transcript NM_001253697.2 (MANE Select); coding-DNA position 3905, C replaced by T.
Protein change: p.Pro1302Leu; replaces proline 1302 with leucine.
Molecular consequence: missense variant. On other transcripts: intron variant (1).
Genome position (GRCh38, 1-based): chr5:66,075,172, C>T. VCF-style: chr5-66075172-C-T. GRCh37 (hg19) VCF-style: chr5-65371000-C-T.
Other names: c.3782C>T, p.Pro1261Leu (NM_001253698.2, NM_018695.4); c.3926C>T, p.Pro1309Leu (NM_001253699.2); c.3770C>T, p.Pro1257Leu (NM_001253701.2); c.3634-1144C>T (NM_001006600.3); short protein forms P1302L, P1261L, P1309L, P1257L.
Identifiers: ClinVar variation 1393209 (VCV001393209.6), dbSNP rs770329711, ClinGen allele CA3286747.
Genomic context (GRCh38, chr5:66,075,172, plus strand): 5'-CAAGGCATCCCTCTAGAGAACAACTAATTGATTACTTGATGCTGAAAGTGGCCCACCAGC[C>T]TCCATATACACAGCCCCATTGTTCTCCTAGACAAGGCCATGAACTGGCAAAACAAGAGGT-3'
Protein context (NP_001240626.1, residues 1292-1312): DYLMLKVAHQ[Pro1302Leu]PYTQPHCSPR

ClinVar aggregate classification (germline): Uncertain significance (1 of 4 stars; one submission).

Allele frequency attached by ClinVar (database versions not stated): gnomAD exomes 0.00002 and 0.00004; ExAC 0.00003; gnomAD 0.00003; TOPMed 0.00003.
gnomAD v4.1: 61 of 1,614,044 alleles (0.0038%); highest among the groups gnomAD compares: Non-Finnish European, 0.0048%; no homozygotes.

Submission:

Labcorp Genetics (formerly Invitae), Labcorp
Classification: Uncertain significance. Last evaluated: 2025-12-20. Review status: criteria provided, single submitter. Criteria: Invitae Variant Classification Sherloc (09022015). Collection method: clinical testing. Allele origin: germline.
Comment: This sequence change replaces proline, which is neutral and non-polar, with leucine, which is neutral and non-polar, at codon 1302 of the ERBIN protein (p.Pro1302Leu). This variant is present in population databases (rs770329711, gnomAD 0.006%). This variant has not been reported in the literature in individuals affected with ERBIN-related conditions. ClinVar contains an entry for this variant (Variation ID: 1393209). An algorithm developed to predict the effect of missense changes on protein structure and function (PolyPhen-2) suggests that this variant is likely to be tolerated. In summary, the available evidence is currently insufficient to determine the role of this variant in disease. Therefore, it has been classified as a Variant of Uncertain Significance.